The following is an entry in ClinVar:

ClinVar aggregate classification (germline): Benign/Likely benign. Review status: criteria provided, multiple submitters, no conflicts (2 of 4 stars). 5 submissions from 4 submitters: Benign (2); Likely benign (3). Last evaluated 2026-01-09.

Conditions:
Inborn genetic diseases. Identifiers: MedGen C0950123, MeSH D030342.
Angiokeratoma corporis diffusum with arteriovenous fistulas. Identifiers: MedGen C1838141, MONDO:0010885, OMIM 600419.
Cerebral cavernous malformation (CCM). Also called: Cavernous Hemangioma of Brain; Cerebral cavernous malformations; Cerebral cavernous hemangioma (type); CAVERNOUS ANGIOMA, FAMILIAL; CAVERNOUS ANGIOMATOUS MALFORMATIONS; CEREBRAL CAPILLARY MALFORMATIONS. Identifiers: Orphanet 221061, MedGen C2919945, MONDO:0000820, OMIM 116860, HP:0033522.

Allele frequency attached by ClinVar (database versions not stated): gnomAD 0.00011 and 0.00019; 1000 Genomes Project 30x 0.00031; TOPMed 0.00016; ESP Exome Variant Server 0.00023; gnomAD exomes 0.00024 and 0.00051; ExAC 0.00052; 1000 Genomes Project 0.00020.
gnomAD v4.1: 383 of 1,589,196 alleles (0.024%); highest among the groups gnomAD compares: South Asian, 0.24%; 1 homozygote.

Submissions (5):

Labcorp Genetics (formerly Invitae), Labcorp
Classification: Benign for Cerebral cavernous malformation. Last evaluated: 2026-01-09. Review status: criteria provided, single submitter. Criteria: Invitae Variant Classification Sherloc (09022015). Collection method: clinical testing. Allele origin: germline.

Ambry Genetics
Classification: Likely benign for Inborn genetic diseases. Last evaluated: 2022-08-07. Review status: criteria provided, single submitter. Criteria: Ambry Variant Classification Scheme 2023. Collection method: clinical testing. Allele origin: germline.

Illumina Laboratory Services, Illumina
Classification: Likely benign for Cerebral cavernous malformation. Last evaluated: 2018-01-13. Review status: criteria provided, single submitter. Criteria: ICSL Variant Classification Criteria 13 December 2019. Collection method: clinical testing. Allele origin: germline.
Comment: This variant was observed in the ICSL laboratory as part of a predisposition screen in an ostensibly healthy population. It had not been previously curated by ICSL or reported in the Human Gene Mutation Database (HGMD: prior to June 1st, 2018), and was therefore a candidate for classification through an automated scoring system. Utilizing variant allele frequency, disease prevalence and penetrance estimates, and inheritance mode, an automated score was calculated to assess if this variant is too frequent to cause the disease. Based on the score and internal cut-off values, a variant classified as likely benign is not then subjected to further curation. The score for this variant resulted in a classification of likely benign for this disease.

Illumina Laboratory Services, Illumina
Classification: Benign for Angiokeratoma corporis diffusum with arteriovenous fistulas. Last evaluated: 2018-01-13. Review status: criteria provided, single submitter. Criteria: ICSL Variant Classification Criteria 13 December 2019. Collection method: clinical testing. Allele origin: germline.
Comment: This variant was observed in the ICSL laboratory as part of a predisposition screen in an ostensibly healthy population. It had not been previously curated by ICSL or reported in the Human Gene Mutation Database (HGMD: prior to June 1st, 2018), and was therefore a candidate for classification through an automated scoring system. Utilizing variant allele frequency, disease prevalence and penetrance estimates, and inheritance mode, an automated score was calculated to assess if this variant is too frequent to cause the disease. Based on the score and internal cut-off values, a variant classified as benign is not then subjected to further curation. The score for this variant resulted in a classification of benign for this disease.

PreventionGenetics, part of Exact Sciences
Classification: Likely benign. Review status: criteria provided, single submitter. Criteria: ACMG Guidelines, 2015. Collection method: clinical testing. Allele origin: germline.

NM_194454.3(KRIT1):c.1809T>C (p.His603=)

Gene: KRIT1 (KRIT1 ankyrin repeat containing; minus strand). Cytogenetic location: 7q21.2.
Variant type: single nucleotide variant.
Coding change: c.1809T>C on transcript NM_194454.3 (MANE Select); coding-DNA position 1809, T replaced by C.
Protein change: p.His603=; no amino-acid change (histidine 603 retained).
Molecular consequence: synonymous variant.
Genome position (GRCh38, 1-based): chr7:92,213,901, A>G on the plus strand (T>C on the coding strand, the complement: KRIT1 is on the minus strand). VCF-style: chr7-92213901-A-G. GRCh37 (hg19) VCF-style: chr7-91843215-A-G.
Other names: c.1665T>C, p.His555= (NM_001013406.2, NM_001350669.1, NM_001350670.1); c.1095T>C, p.His365= (NM_001350671.1); c.1809T>C, p.His603= (NM_001350672.1, NM_001350673.1, NM_001350674.1 and 26 more transcripts).
Identifiers: ClinVar variation 263097 (VCV000263097.43), dbSNP rs149754162, ClinGen allele CA4339024.